The following is an entry in ClinVar:

ClinVar aggregate classification (germline): Pathogenic. Review status: criteria provided, multiple submitters, no conflicts (2 of 4 stars). 3 submissions from 3 submitters: Pathogenic (3). Last evaluated 2024-01-04.

Conditions:
Hereditary cancer-predisposing syndrome. Also called: Tumor predisposition; Neoplastic Syndromes, Hereditary; Hereditary Cancer Syndrome; Hereditary neoplastic syndrome. Identifiers: Orphanet 140162, MedGen C0027672, MeSH D009386, MONDO:0015356.
Familial adenomatous polyposis 2. Also called: Adenomas, multiple colorectal; MYH-associated polyposis; COLORECTAL ADENOMATOUS POLYPOSIS, AUTOSOMAL RECESSIVE; ADENOMAS, MULTIPLE COLORECTAL, AUTOSOMAL RECESSIVE; FAP type 2; MUTYH Polyposis. Identifiers: Orphanet 220460, Orphanet 247798, MedGen C3272841, MONDO:0012041, OMIM 608456.

gnomAD v4.1: 1 of 1,614,150 alleles (0.000062%); highest among the groups gnomAD compares: Non-Finnish European, 0.000085%; no homozygotes.

Submissions (3):

Color Diagnostics, LLC DBA Color Health
Classification: Pathogenic for Hereditary cancer-predisposing syndrome. Last evaluated: 2024-01-04. Review status: criteria provided, single submitter. Criteria: ACMG Guidelines, 2015. Collection method: clinical testing. Allele origin: germline.
Comment: This variant changes 1 nucleotide in exon 8/16 of the MUTYH gene, creating a premature translation stop signal. This variant is expected to result in an absent or non-functional protein product. To our knowledge, this variant has not been reported in individuals affected with MUTYH-related disorders in the literature. This variant has not been identified in the general population by the Genome Aggregation Database (gnomAD). Loss of MUTYH function is a known mechanism of disease. Based on the available evidence, this variant is classified as Pathogenic.

Labcorp Genetics (formerly Invitae), Labcorp
Classification: Pathogenic for Familial adenomatous polyposis 2. Last evaluated: 2023-11-04. Review status: criteria provided, single submitter. Criteria: Invitae Variant Classification Sherloc (09022015). Collection method: clinical testing. Allele origin: germline.
Comment: This sequence change creates a premature translational stop signal (p.Gln209*) in the MUTYH gene. It is expected to result in an absent or disrupted protein product. Loss-of-function variants in MUTYH are known to be pathogenic (PMID: 18534194, 20663686). This variant is not present in population databases (gnomAD no frequency). This variant has not been reported in the literature in individuals affected with MUTYH-related conditions. ClinVar contains an entry for this variant (Variation ID: 1368442). Algorithms developed to predict the effect of sequence changes on RNA splicing suggest that this variant may disrupt the consensus splice site. For these reasons, this variant has been classified as Pathogenic.

Ambry Genetics
Classification: Pathogenic for Hereditary cancer-predisposing syndrome. Last evaluated: 2022-09-06. Review status: criteria provided, single submitter. Criteria: Ambry Variant Classification Scheme 2023. Collection method: clinical testing. Allele origin: germline.
Comment: The p.Q209* pathogenic mutation (also known as c.625C>T), located in coding exon 8 of the MUTYH gene, results from a C to T substitution at nucleotide position 625. This changes the amino acid from a glutamine to a stop codon within coding exon 8. This variant is considered to be rare based on population cohorts in the Genome Aggregation Database (gnomAD). This alteration is expected to result in loss of function by premature protein truncation or nonsense-mediated mRNA decay. As such, this alteration is interpreted as a disease-causing mutation.

Literature cited by the submitters: PubMed 18534194 (cited by Labcorp Genetics (formerly Invitae), Labcorp); PubMed 20663686 (cited by Labcorp Genetics (formerly Invitae), Labcorp).

NM_001048174.2(MUTYH):c.541C>T (p.Gln181Ter)

Gene: MUTYH (mutY DNA glycosylase; minus strand). Cytogenetic location: 1p34.1.
Variant type: single nucleotide variant.
Coding change: c.541C>T on transcript NM_001048174.2 (MANE Select); coding-DNA position 541, C replaced by T.
Protein change: p.Gln181Ter; replaces glutamine 181 with a stop codon.
Molecular consequence: nonsense. On other transcripts: non-coding transcript variant (2).
Genome position (GRCh38, 1-based): chr1:45,332,639, G>A on the plus strand (C>T on the coding strand, the complement: MUTYH is on the minus strand). VCF-style: chr1-45332639-G-A. GRCh37 (hg19) VCF-style: chr1-45798311-G-A.
Other names: c.541C>T, p.Gln181Ter (NM_001048171.2, NM_001048173.2, NM_001293195.2); c.544C>T, p.Gln182Ter (NM_001048172.2); c.625C>T, p.Gln209Ter (NM_001128425.2); c.586C>T, p.Gln196Ter (NM_001293190.2); c.574C>T, p.Gln192Ter (NM_001293191.2); c.265C>T, p.Gln89Ter (NM_001293192.2, NM_001293196.2); c.196C>T, p.Gln66Ter (NM_001350650.2, NM_001350651.2); c.616C>T, p.Gln206Ter (NM_012222.3); short protein forms Q206*, Q181*, Q209*, Q182*, Q66*, Q89*, Q192*, Q196*.
Identifiers: ClinVar variation 1368442 (VCV001368442.9), dbSNP rs2149151527, ClinGen allele CA340135377.